The following is an entry in ClinVar:

NM_004519.4(KCNQ3):c.*3731G>T

Gene: KCNQ3 (potassium voltage-gated channel subfamily Q member 3; minus strand). Cytogenetic location: 8q24.22.
Variant type: single nucleotide variant.
Coding change: c.*3731G>T on transcript NM_004519.4 (MANE Select); 3731 bases downstream of the stop codon, G replaced by T.
Molecular consequence: 3 prime UTR variant.
Genome position (GRCh38, 1-based): chr8:132,125,531, C>A on the plus strand (G>T on the coding strand, the complement: KCNQ3 is on the minus strand). VCF-style: chr8-132125531-C-A. GRCh37 (hg19) VCF-style: chr8-133137778-C-A.
Other names: c.*3731G>T (NM_001204824.2).
Identifiers: ClinVar variation 361819 (VCV000361819.6), dbSNP rs117524261, ClinGen allele CA10630194.

ClinVar aggregate classification (germline): Benign (1 of 4 stars; one submission).

Conditions:
Seizures, benign familial neonatal, 2. Also called: CONVULSIONS, BENIGN FAMILIAL NEONATAL, 2; KCNQ3-Related Self-Limited Familial Neonatal Epilepsy (SLFNE); Benign Neonatal Epilepsy 2; KCNQ3-Related Benign Familial Neonatal Epilepsy; Seizures, benign neonatal, 2. Identifiers: Orphanet 1949, MedGen C1852581, MONDO:0007366, OMIM 121201.

Allele frequency attached by ClinVar (database versions not stated): gnomAD 0.00409 and 0.00428; 1000 Genomes Project 0.00160; 1000 Genomes Project 30x 0.00125; TOPMed 0.00317.

Submission:

Illumina Laboratory Services, Illumina
Classification: Benign for Seizures, benign familial neonatal, 2. Last evaluated: 2018-01-13. Review status: criteria provided, single submitter. Criteria: ICSL Variant Classification Criteria 13 December 2019. Collection method: clinical testing. Allele origin: germline.
Comment: This variant was observed in the ICSL laboratory as part of a predisposition screen in an ostensibly healthy population. It had not been previously curated by ICSL or reported in the Human Gene Mutation Database (HGMD: prior to June 1st, 2018), and was therefore a candidate for classification through an automated scoring system. Utilizing variant allele frequency, disease prevalence and penetrance estimates, and inheritance mode, an automated score was calculated to assess if this variant is too frequent to cause the disease. Based on the score and internal cut-off values, a variant classified as benign is not then subjected to further curation. The score for this variant resulted in a classification of benign for this disease.